The following is an entry in ClinVar:

ClinVar aggregate classification (germline): Uncertain significance (1 of 4 stars; one submission).

Conditions:
Cardiovascular phenotype. Identifiers: MedGen CN230736.

Submission:

Ambry Genetics
Classification: Uncertain significance for Cardiovascular phenotype. Last evaluated: 2025-08-12. Review status: criteria provided, single submitter. Criteria: Ambry Variant Classification Scheme 2023. Collection method: clinical testing. Allele origin: germline.
Comment: The p.G1363A variant (also known as c.4088G>C), located in coding exon 10 of the TNXB gene, results from a G to C substitution at nucleotide position 4088. The glycine at codon 1363 is replaced by alanine, an amino acid with similar properties. This amino acid position is conserved. In addition, this alteration is predicted to be tolerated by in silico analysis. Based on the available evidence, the clinical significance of this variant remains unclear.

NM_001365276.2(TNXB):c.4088G>C (p.Gly1363Ala)

Gene: TNXB (tenascin XB; minus strand). Cytogenetic location: 6p21.33.
Variant type: single nucleotide variant.
Coding change: c.4088G>C on transcript NM_001365276.2 (MANE Select); coding-DNA position 4088, G replaced by C.
Protein change: p.Gly1363Ala; replaces glycine 1363 with alanine.
Molecular consequence: missense variant.
Genome position (GRCh38, 1-based): chr6:32,079,320, C>G on the plus strand (G>C on the coding strand, the complement: TNXB is on the minus strand). VCF-style: chr6-32079320-C-G. GRCh37 (hg19) VCF-style: chr6-32047097-C-G.
Other names: c.4829G>C, p.Gly1610Ala (NM_001428335.1); c.4088G>C, p.Gly1363Ala (NM_019105.8); short protein forms G1610A, G1363A.
Identifiers: ClinVar variation 4188713 (VCV004188713.1).
Genomic context (GRCh38, chr6:32,079,320, plus strand): 5'-GATCCTGTCACTGTCAGCTCCCCCAGGAGCGGCTCCTCGGGGGACTCCGGGGCCTCCGTG[C>G]CCAGTTCTGTGGGGCTGGGGGTCTCGTCCACATCCTCCTGAGGAGCTGAGAGAAGAGATA-3'
Protein context (NP_001352205.1, residues 1353-1373): VDETPSPTEL[Gly1363Ala]TEAPESPEEP